The following is an entry in ClinVar:

NM_000400.4(ERCC2):c.1467C>G (p.Cys489Trp)

Gene: ERCC2 (ERCC excision repair 2, TFIIH core complex helicase subunit; minus strand). Cytogenetic location: 19q13.32.
Variant type: single nucleotide variant.
Coding change: c.1467C>G on transcript NM_000400.4 (MANE Select); coding-DNA position 1467, C replaced by G.
Protein change: p.Cys489Trp; replaces cysteine 489 with tryptophan.
Molecular consequence: missense variant.
Genome position (GRCh38, 1-based): chr19:45,357,282, G>C on the plus strand (C>G on the coding strand, the complement: ERCC2 is on the minus strand). VCF-style: chr19-45357282-G-C. GRCh37 (hg19) VCF-style: chr19-45860540-G-C.
Other names: short protein forms C489W.
Identifiers: ClinVar variation 3231645 (VCV003231645.1), dbSNP rs1972043930, ClinGen allele CA406366961.

ClinVar aggregate classification (germline): Uncertain significance (1 of 4 stars; one submission).

Conditions:
Inborn genetic diseases. Identifiers: MedGen C0950123, MeSH D030342.

Submission:

Ambry Genetics
Classification: Uncertain significance for Inborn genetic diseases. Last evaluated: 2023-12-05. Review status: criteria provided, single submitter. Criteria: Ambry Variant Classification Scheme 2023. Collection method: clinical testing. Allele origin: germline.
Comment: The p.C489W variant (also known as c.1467C>G), located in coding exon 15 of the ERCC2 gene, results from a C to G substitution at nucleotide position 1467. The cysteine at codon 489 is replaced by tryptophan, an amino acid with highly dissimilar properties. This amino acid position is conserved. In addition, this alteration is predicted to be deleterious by in silico analysis. Since supporting evidence is limited at this time, the clinical significance of this alteration remains unclear.